The following is an entry in ClinVar:

ClinVar aggregate classification (germline): Benign/Likely benign. Review status: criteria provided, multiple submitters, no conflicts (2 of 4 stars). 8 submissions from 8 submitters: Benign (4); Likely benign (4). Last evaluated 2026-01-23.

Conditions:
Autoinflammatory syndrome. Identifiers: Orphanet 93665, MedGen C3890737, MONDO:0019751.
Cryopyrin associated periodic syndrome (CAPS). Identifiers: Orphanet 208650, MedGen C2316212, MONDO:0016168.

Allele frequency attached by ClinVar (database versions not stated): 1000 Genomes Project 0.00040; 1000 Genomes Project 30x 0.00047; TOPMed 0.00087; gnomAD 0.00089; ESP Exome Variant Server 0.00092.
gnomAD v4.1: 227 of 1,614,074 alleles (0.014%); highest among the groups gnomAD compares: African/African-American, 0.27%; no homozygotes.

Submissions (8):

Women's Health and Genetics/Laboratory Corporation of America, LabCorp
Classification: Benign. Last evaluated: 2026-01-23. Review status: criteria provided, single submitter. Criteria: LabCorp Variant Classification Summary - May 2015. Collection method: clinical testing. Allele origin: germline.

Labcorp Genetics (formerly Invitae), Labcorp
Classification: Benign for Cryopyrin associated periodic syndrome. Last evaluated: 2025-12-31. Review status: criteria provided, single submitter. Criteria: Invitae Variant Classification Sherloc (09022015). Collection method: clinical testing. Allele origin: germline.

Mayo Clinic Laboratories, Mayo Clinic
Classification: Likely benign. Last evaluated: 2025-09-11. Review status: criteria provided, single submitter. Criteria: ACMG Guidelines, 2015. Collection method: clinical testing. Allele origin: germline. Observed: 1 variant allele.
Comment: BP4, BP7

Blueprint Genetics
Classification: Likely benign. Last evaluated: 2022-09-05. Review status: criteria provided, single submitter. Criteria: ACMG Guidelines, 2015. Collection method: clinical testing. Allele origin: germline.

ARUP Laboratories, Molecular Genetics and Genomics, ARUP Laboratories
Classification: Benign. Last evaluated: 2022-03-02. Review status: criteria provided, single submitter. Criteria: ARUP Molecular Germline Variant Investigation Process 2021. Collection method: clinical testing. Allele origin: germline.

Genome Diagnostics Laboratory, The Hospital for Sick Children
Classification: Likely benign for Autoinflammatory syndrome. Last evaluated: 2021-09-21. Review status: criteria provided, single submitter. Criteria: ACMG Guidelines, 2015. Collection method: clinical testing. Allele origin: germline. Affected: yes.

Laboratory for Molecular Medicine, Mass General Brigham Personalized Medicine
Classification: Likely benign. Last evaluated: 2017-12-21. Review status: criteria provided, single submitter. Criteria: LMM Criteria. Collection method: clinical testing. Allele origin: germline. Observed: 1 variant allele.
Comment: p.Ser265Ser in exon 5 of NLRP3: This variant is not expected to have clinical si gnificance because it does not alter an amino acid residue and is not located wi thin the splice consensus sequence. It has been identified in 0.25% (61/24016) o f African chromosomes by the Genome Aggregation Database (gnomAD .; dbSNP rs146442638). ACMG/AMP criteria applied: BS1, BP7.

GeneDx
Classification: Benign. Last evaluated: 2015-08-04. Review status: criteria provided, single submitter. Criteria: GeneDx Variant Classification (06012015). Collection method: clinical testing. Allele origin: germline. Affected: yes.
Comment: This variant is considered likely benign or benign based on one or more of the following criteria: it is a conservative change, it occurs at a poorly conserved position in the protein, it is predicted to be benign by multiple in silico algorithms, and/or has population frequency not consistent with disease.

NM_001243133.2(NLRP3):c.789C>T (p.Ser263=)

Gene: NLRP3 (NLR family pyrin domain containing 3; plus strand). Cytogenetic location: 1q44.
Variant type: single nucleotide variant.
Coding change: c.789C>T on transcript NM_001243133.2 (MANE Select); coding-DNA position 789, C replaced by T.
Protein change: p.Ser263=; no amino-acid change (serine 263 retained).
Molecular consequence: synonymous variant.
Genome position (GRCh38, 1-based): chr1:247,424,238, C>T. VCF-style: chr1-247424238-C-T. GRCh37 (hg19) VCF-style: chr1-247587540-C-T.
Other names: p.Ser265=; c.789C>T, p.Ser263= (NM_001079821.3, NM_001127461.3, NM_001127462.3 and 1 more transcripts); c.795C>T, p.Ser265= (NM_004895.5).
Identifiers: ClinVar variation 245594 (VCV000245594.33), dbSNP rs146442638, ClinGen allele CA1494934.